The following is an entry in ClinVar:

NM_024577.4(SH3TC2):c.1973G>A (p.Arg658His)

Gene: SH3TC2 (SH3 domain and tetratricopeptide repeats 2; minus strand). Cytogenetic location: 5q32.
Variant type: single nucleotide variant.
Coding change: c.1973G>A on transcript NM_024577.4 (MANE Select); coding-DNA position 1973, G replaced by A.
Protein change: p.Arg658His; replaces arginine 658 with histidine.
Molecular consequence: missense variant.
Genome position (GRCh38, 1-based): chr5:149,027,759, C>T on the plus strand (G>A on the coding strand, the complement: SH3TC2 is on the minus strand). VCF-style: chr5-149027759-C-T. GRCh37 (hg19) VCF-style: chr5-148407322-C-T.
Other names: p.Arg658His; short protein forms R658H.
Identifiers: ClinVar variation 216739 (VCV000216739.23), dbSNP rs138040787, ClinGen allele CA337497.
Genomic context (GRCh38, chr5:149,027,759, plus strand): 5'-AAACTCAAAACACTGGCCACAGCCTCAGAGGCAGGAGGGTGTCCAGAGAGGAGCTGCAGG[C>T]GCTCGGCAAAGGGCAGGACCTCCTCGTGCCGGCCTAGGCTCAGGAGCAAGCGGATGGCCA-3'
Protein context (NP_078853.2, residues 648-668): RHEEVLPFAE[Arg658His]LQLLSGHPPA

ClinVar aggregate classification (germline): Uncertain significance. Review status: criteria provided, multiple submitters, no conflicts (2 of 4 stars). 10 submissions from 10 submitters: Uncertain significance (10). Last evaluated 2026-06-24.

Conditions:
SH3TC2-related disorder. Also called: SH3TC2-related condition; SH3TC2-related disorders. Identifiers: MedGen CN239303.
Inborn genetic diseases. Identifiers: MedGen C0950123, MeSH D030342.
Charcot-Marie-Tooth disease. Also called: Charcot-Marie-Tooth Hereditary Neuropathy; Charcot-Marie-Tooth Neuropathy. Identifiers: Orphanet 166, MedGen C0007959, MONDO:0015626.
Charcot-Marie-Tooth disease type 4. Also called: Charcot-Marie-Tooth disease, type IV; Charcot-Marie-Tooth, Type 4. Identifiers: Orphanet 64749, MedGen C4082197, MONDO:0018995.

Allele frequency attached by ClinVar (database versions not stated): ESP Exome Variant Server 0.00023; ExAC 0.00008; TOPMed 0.00014; gnomAD 0.00015 and 0.00016.
gnomAD v4.1: 195 of 1,613,832 alleles (0.012%); highest among the groups gnomAD compares: African/African-American, 0.023%; no homozygotes.

Submissions (10):

PreventionGenetics, part of Exact Sciences
Classification: Uncertain significance for SH3TC2-related condition. Last evaluated: 2026-06-24. Review status: criteria provided, single submitter. Criteria: ACMG Guidelines, 2015. Collection method: clinical testing. Allele origin: germline.
Comment: The SH3TC2 c.1973G>A variant is predicted to result in the amino acid substitution p.Arg658His. This variant was reported as a variant of uncertain significance in an individual from a large cohort study of Charcot-Marie-Tooth disease; however, additional evidence was not provided (Volodarsky et al. 2021. PubMed ID: 32376792). This variant is reported in 0.016% of alleles in individuals of African descent in gnomAD, which may be too frequent to be a primary cause of an autosomal dominant disease. At this time, the clinical significance of this variant is uncertain due to the absence of conclusive functional and genetic evidence.

Women's Health and Genetics/Laboratory Corporation of America, LabCorp
Classification: Uncertain significance. Last evaluated: 2025-12-01. Review status: criteria provided, single submitter. Criteria: LabCorp Variant Classification Summary - May 2015. Collection method: clinical testing. Allele origin: germline.
Comment: Variant summary: SH3TC2 c.1973G>A (p.Arg658His) results in a non-conservative amino acid change in the encoded protein sequence. Algorithms developed to predict the effect of missense changes on protein structure and function are either unavailable or do not agree on the potential impact of this missense change. The variant allele was found at a frequency of 7.6e-05 in 251060 control chromosomes (gnomAD). This frequency is not significantly higher than estimated for disease-causing variants in SH3TC2, allowing no conclusion about variant significance. c.1973G>A has been observed in an individuals affected with Charcot-Marie Disease (Volodarsky_2021). This report does not provide unequivocal conclusions about association of the variant with Charcot-Marie-Tooth disease type 4C. To our knowledge, no experimental evidence demonstrating an impact on protein function has been reported. The following publication has been ascertained in the context of this evaluation (PMID: 32376792). ClinVar contains an entry for this variant (Variation ID: 216739). Based on the evidence outlined above, the variant was classified as uncertain significance.

GeneDx
Classification: Uncertain significance. Last evaluated: 2025-06-11. Review status: criteria provided, single submitter. Criteria: GeneDx Variant Classification Process June 2021. Collection method: clinical testing. Allele origin: germline. Affected: yes.
Comment: Reported as a variant of uncertain significance in a patient with Charcot-Marie-Tooth disease in the published literature; however, additional information was not provided (PMID: 32376792); In silico analysis supports that this missense variant has a deleterious effect on protein structure/function; This variant is associated with the following publications: (PMID: 32376792, 14574644, 16924012)

Blueprint Genetics
Classification: Uncertain significance. Last evaluated: 2024-10-22. Review status: criteria provided, single submitter. Criteria: ACMG Guidelines, 2015. Collection method: clinical testing. Allele origin: germline.

Labcorp Genetics (formerly Invitae), Labcorp
Classification: Uncertain significance for Charcot-Marie-Tooth disease type 4. Last evaluated: 2023-12-11. Review status: criteria provided, single submitter. Criteria: Invitae Variant Classification Sherloc (09022015). Collection method: clinical testing. Allele origin: germline.
Comment: This sequence change replaces arginine, which is basic and polar, with histidine, which is basic and polar, at codon 658 of the SH3TC2 protein (p.Arg658His). This variant is present in population databases (rs138040787, gnomAD 0.02%). This missense change has been observed in individual(s) with Charcot-Marie-Tooth disease (PMID: 32376792). ClinVar contains an entry for this variant (Variation ID: 216739). Advanced modeling of protein sequence and biophysical properties (such as structural, functional, and spatial information, amino acid conservation, physicochemical variation, residue mobility, and thermodynamic stability) performed at Invitae indicates that this missense variant is not expected to disrupt SH3TC2 protein function with a negative predictive value of 95%. This variant disrupts the p.Arg658 amino acid residue in SH3TC2. Other variant(s) that disrupt this residue have been determined to be pathogenic (PMID: 14574644, 16924012, 19744956, 21291453, 22462672). This suggests that this residue is clinically significant, and that variants that disrupt this residue are likely to be disease-causing. In summary, the available evidence is currently insufficient to determine the role of this variant in disease. Therefore, it has been classified as a Variant of Uncertain Significance.

Ambry Genetics
Classification: Uncertain significance for Inborn genetic diseases. Last evaluated: 2021-12-22. Review status: criteria provided, single submitter. Criteria: Ambry Variant Classification Scheme 2023. Collection method: clinical testing. Allele origin: germline.
Comment: The p.R658H variant (also known as c.1973G>A), located in coding exon 11 of the SH3TC2 gene, results from a G to A substitution at nucleotide position 1973. The arginine at codon 658 is replaced by histidine, an amino acid with highly similar properties. This amino acid position is well conserved in available vertebrate species. In addition, the in silico prediction for this alteration is inconclusive. Since supporting evidence is limited at this time, the clinical significance of this alteration remains unclear.

Mayo Clinic Laboratories, Mayo Clinic
Classification: Uncertain significance. Last evaluated: 2021-07-29. Review status: criteria provided, single submitter. Criteria: ACMG Guidelines, 2015. Collection method: clinical testing. Allele origin: germline.

Athena Diagnostics
Classification: Uncertain significance. Last evaluated: 2017-12-20. Review status: criteria provided, single submitter. Criteria: Athena Diagnostics Criteria. Collection method: clinical testing. Allele origin: germline.

Breakthrough Genomics
Classification: Uncertain significance. Review status: criteria provided, single submitter. Criteria: ACMG Guidelines, 2015. Collection method: not provided. Allele origin: germline. Inheritance: Autosomal recessive inheritance. Affected: yes.

Molecular Genetics Laboratory, London Health Sciences Centre
Classification: Uncertain significance for Charcot-Marie-Tooth disease. Review status: criteria provided, single submitter. Criteria: ACMG Guidelines, 2015. Collection method: clinical testing. Allele origin: germline. Affected: yes.

Literature cited by the submitters: PubMed 32376792 (cited by Women's Health and Genetics/Laboratory Corporation of America, LabCorp and Labcorp Genetics (formerly Invitae), Labcorp); PubMed 14574644 (cited by Labcorp Genetics (formerly Invitae), Labcorp); PubMed 16924012 (cited by Labcorp Genetics (formerly Invitae), Labcorp); PubMed 19744956 (cited by Labcorp Genetics (formerly Invitae), Labcorp); PubMed 21291453 (cited by Labcorp Genetics (formerly Invitae), Labcorp); PubMed 22462672 (cited by Labcorp Genetics (formerly Invitae), Labcorp).